The following is an entry in ClinVar:

NM_000518.5(HBB):c.286A>G (p.Lys96Glu)

Genes: HBB (hemoglobin subunit beta; minus strand), LOC106099062 (HBB recombination region; plus strand), LOC107133510 (origin of replication at HBB; plus strand). Cytogenetic location: 11p15.4.
Variant type: single nucleotide variant.
Coding change: c.286A>G on transcript NM_000518.5 (MANE Select); coding-DNA position 286, A replaced by G.
Protein change: p.Lys96Glu; replaces lysine 96 with glutamic acid.
Molecular consequence: missense variant.
Genome position (GRCh38, 1-based): chr11:5,226,606, T>C on the plus strand (A>G on the coding strand, the complement: HBB is on the minus strand). VCF-style: chr11-5226606-T-C. GRCh37 (hg19) VCF-style: chr11-5247836-T-C.
Other names: K95E; short protein forms K96E.
Identifiers: ClinVar variation 15278 (VCV000015278.24), dbSNP rs33914359, ClinGen allele CA125046.

ClinVar aggregate classification (germline): Conflicting classifications of pathogenicity. Review status: criteria provided, conflicting classifications (1 of 4 stars). 10 submissions from 6 submitters: Uncertain significance (1); Likely benign (3). 6 of the submissions do not count toward it. Last evaluated 2025-05-15.

Conditions:
HEMOGLOBIN KENWOOD.
HEMOGLOBIN N (BALTIMORE).
HEMOGLOBIN N (JENKINS).
HEMOGLOBIN JENKINS.
HEMOGLOBIN HOPKINS 1.
beta Thalassemia (BTHAL). Also called: Cooley's anemia; Erythroblastic anemia; Mediterranean anemia. Identifiers: Orphanet 848, MedGen C0005283, MONDO:0019402. Disease mechanism: loss of function.

Allele frequency attached by ClinVar (database versions not stated): gnomAD 0.00001; gnomAD exomes 0.00001; TOPMed 0.00001.
gnomAD v4.1: 5 of 1,614,008 alleles (0.00031%); highest among the groups gnomAD compares: African/African-American, 0.0053%; no homozygotes.

Submissions (10):

ARUP Laboratories, Molecular Genetics and Genomics, ARUP Laboratories
Classification: Likely benign. Last evaluated: 2025-05-15. Review status: criteria provided, single submitter. Criteria: ARUP Molecular Germline Variant Investigation Process 2024. Collection method: clinical testing. Allele origin: germline.
Comment: The Hb N-Baltimore variant (HBB: c.286A>G; p.Lys96Glu, also known as Lys95Glu when numbered from the mature protein, rs33914359, HbVar ID: 439, ClinVar Variation ID: 15278) is reported in multiple individuals with no associated clinical symptoms (Clegg 1965, Gottlieb 1967), even when found with Hb C (HbVar database and references therein). The variant hemoglobin is stable, as it is detected in half of all hemoglobin in all carriers (Clegg 1965, Gottlieb 1967). However, it has been reported to accelerate crystallization of Hb C in vitro (Hirsch 1997), but physiological ratios were not tested. Hb N-Baltimore is only observed on four alleles in the Genome Aggregation Database (v2.1.1). Computational analyses predict that this variant is deleterious (REVEL: 0.772). However, due to the absence of associated clinical symptoms and the relative stability of the variant hemoglobin, Hb N-Baltimore is considered to be likely benign. References: Link to HbVar database: Clegg J et al. An improved method for the characterization of human haemoglobin mutants: identification of alpha-2-beta-2-95GLU, haemoglobin N (Baltimore). Nature. 1965; 207(5000):945-7. PMID: 5886928. Gottlieb A et al. Primary structure of Hopkins-1 haemoglobin. Nature. 1967; 214(5084):189-90. PMID: 6034218. Hirsch RE et al. HbC compound heterozygotes (HbC/Hb Riyadh and HbC/Hb N-Baltimore) with opposing effects upon HbC crystallization. Br J Haematol. 1997 May;97(2):259-65. PMID: 9163585.

Quest Diagnostics Nichols Institute San Juan Capistrano
Classification: Likely benign. Last evaluated: 2023-07-21. Review status: criteria provided, single submitter. Criteria: Quest Diagnostics criteria. Collection method: clinical testing. Allele origin: unknown.

Revvity Omics, Revvity
Classification: Uncertain significance. Last evaluated: 2023-06-26. Review status: criteria provided, single submitter. Criteria: ACMG Guidelines, 2015. Collection method: clinical testing. Allele origin: germline.

Women's Health and Genetics/Laboratory Corporation of America, LabCorp
Classification: Likely benign. Last evaluated: 2022-10-05. Review status: criteria provided, single submitter. Criteria: LabCorp Variant Classification Summary - May 2015. Collection method: clinical testing. Allele origin: germline.
Comment: Variant summary: HBB c.286A>G (p.Lys96Glu) also known as Hb-N Baltimore, results in a conservative amino acid change located in the Globin domain of the encoded protein sequence. Three of five in-silico tools predict a damaging effect of the variant on protein function. The variant allele was found at a frequency of 1.4e-05 in 277156 control chromosomes (gnomAD). The available data on variant occurrences in the general population are insufficient to allow any conclusion about variant significance. Multiple publications cite the variant with in asymptomatic and mildly affected individuals with normal hematological parameters characteristic of alpha thal-trait (in settings of -alpha/-alpha genotype) or a beta-thal trait (in setting of Hb-N-Baltimore/beta-thal) (Johnson_1976, Adams_1977, Ballas_1985, Hirsch_1997, Huisman_1997). A case study by Farashi_2016 reports the variant to occur in cis with HBB c.272_295dup (a duplication of eight codons) in a mother and daughter with relatively normal hematological parameters, however, authors speculate that the variant of interest could also influence structural changes. Functional studies showed that this variant significantly accelerated the crystallization of HbC (Hirsch_1997), inhibited gelation of HbS in deoxy state while behaving like HbA in oxy state (Kumpati_1978) and was associated with normal oxygen affinity (Craescu_1988). Furthermore, the variant showed poor reducibility of oxidized hemoglobin and impairment in interaction with cytochrome b5 (Gacon_1980). However, the impact of these findings on the pathophysiology of hemoglobinopathies is unclear. This variant is widely regarded as an apparently harmless or a clinically benign hemoglobin in the literature spanning over 3 decades (example, Schneider_1976, Mason_2016). Three ClinVar submissions from clinical diagnostic laboratories (evaluation after 2014) cite the variant as likely benign. Based on the evidence outlined above, the variant was classified as likely benign.

Natera, Inc.
Classification: Likely benign for Beta thalassemia. Last evaluated: 2020-09-23. Review status: no assertion criteria provided. Collection method: clinical testing. Allele origin: germline. Not counted in ClinVar's aggregate classification.

OMIM
Classification: other for HEMOGLOBIN N (BALTIMORE). Last evaluated: 2017-12-12. Review status: no assertion criteria provided. Collection method: literature only. Allele origin: germline. Not counted in ClinVar's aggregate classification.

OMIM
Classification: other for HEMOGLOBIN N (JENKINS). Last evaluated: 2017-12-12. Review status: no assertion criteria provided. Collection method: literature only. Allele origin: germline. Not counted in ClinVar's aggregate classification.

OMIM
Classification: other for HEMOGLOBIN JENKINS. Last evaluated: 2017-12-12. Review status: no assertion criteria provided. Collection method: literature only. Allele origin: germline. Not counted in ClinVar's aggregate classification.

OMIM
Classification: other for HEMOGLOBIN HOPKINS 1. Last evaluated: 2017-12-12. Review status: no assertion criteria provided. Collection method: literature only. Allele origin: germline. Not counted in ClinVar's aggregate classification.

OMIM
Classification: other for HEMOGLOBIN KENWOOD. Last evaluated: 2017-12-12. Review status: no assertion criteria provided. Collection method: literature only. Allele origin: germline. Not counted in ClinVar's aggregate classification.

Literature cited by the submitters: PubMed 26901597 (cited by Quest Diagnostics Nichols Institute San Juan Capistrano and Women's Health and Genetics/Laboratory Corporation of America, LabCorp); PubMed 26850598 (cited by Quest Diagnostics Nichols Institute San Juan Capistrano and Women's Health and Genetics/Laboratory Corporation of America, LabCorp); PubMed 24099628 (cited by Quest Diagnostics Nichols Institute San Juan Capistrano and Women's Health and Genetics/Laboratory Corporation of America, LabCorp); PubMed 27207683 (cited by Quest Diagnostics Nichols Institute San Juan Capistrano and Women's Health and Genetics/Laboratory Corporation of America, LabCorp); PubMed 31126755 (cited by Quest Diagnostics Nichols Institute San Juan Capistrano); PubMed 4086303 (cited by 3 submitters); PubMed 31553106 (cited by Quest Diagnostics Nichols Institute San Juan Capistrano); PubMed 19750260 (cited by Quest Diagnostics Nichols Institute San Juan Capistrano); PubMed 15543018 (cited by Women's Health and Genetics/Laboratory Corporation of America, LabCorp); PubMed 700140 (cited by Women's Health and Genetics/Laboratory Corporation of America, LabCorp); PubMed 893139 (cited by Women's Health and Genetics/Laboratory Corporation of America, LabCorp); PubMed 826073 (cited by Women's Health and Genetics/Laboratory Corporation of America, LabCorp); PubMed 6034218 (cited by Women's Health and Genetics/Laboratory Corporation of America, LabCorp and OMIM); PubMed 5886928 (cited by Women's Health and Genetics/Laboratory Corporation of America, LabCorp and OMIM); PubMed 6859036 (cited by Women's Health and Genetics/Laboratory Corporation of America, LabCorp); PubMed 9163585 (cited by Women's Health and Genetics/Laboratory Corporation of America, LabCorp); PubMed 2283300 (cited by Women's Health and Genetics/Laboratory Corporation of America, LabCorp); PubMed 6769116 (cited by Women's Health and Genetics/Laboratory Corporation of America, LabCorp); PubMed 622390 (cited by Women's Health and Genetics/Laboratory Corporation of America, LabCorp); PubMed 974261 (cited by Women's Health and Genetics/Laboratory Corporation of America, LabCorp); PubMed 9342003 (cited by Women's Health and Genetics/Laboratory Corporation of America, LabCorp); PubMed 3343245 (cited by Women's Health and Genetics/Laboratory Corporation of America, LabCorp); PubMed 7907594 (cited by Women's Health and Genetics/Laboratory Corporation of America, LabCorp); PubMed 25355712 (cited by Women's Health and Genetics/Laboratory Corporation of America, LabCorp); PubMed 3957922 (cited by Women's Health and Genetics/Laboratory Corporation of America, LabCorp); PubMed 28904057 (cited by Women's Health and Genetics/Laboratory Corporation of America, LabCorp); PubMed 5961314 (cited by OMIM); PubMed 993333 (cited by OMIM); PubMed 5773089 (cited by OMIM).